The following is an entry in ClinVar:

NC_000021.8:g.(?_47536545)_(47536748_?)dup

Gene: COL6A2 (collagen type VI alpha 2 chain; plus strand). Cytogenetic location: 21q22.3.
Variant type: Duplication.
Identifiers: ClinVar variation 1410511 (VCV001410511.6).

ClinVar aggregate classification (germline): Uncertain significance (1 of 4 stars; one submission).

Conditions:
Bethlem myopathy 1A. Also called: Bethlem myopathy 1; Bethlem Muscular Dystrophy; MYOPATHY, BENIGN CONGENITAL, WITH CONTRACTURES. Identifiers: Orphanet 610, MedGen CN029274, MONDO:0024530, OMIM 158810.

Submission:

Labcorp Genetics (formerly Invitae), Labcorp
Classification: Uncertain significance for Bethlem myopathy 1A. Last evaluated: 2021-08-03. Review status: criteria provided, single submitter. Criteria: Invitae Variant Classification Sherloc (09022015). Collection method: clinical testing. Allele origin: germline.
Comment: In summary, the available evidence is currently insufficient to determine the role of this variant in disease. Therefore, it has been classified as a Variant of Uncertain Significance. This variant has not been reported in the literature in individuals affected with COL6A2-related conditions. This variant results in a copy number gain of the genomic region encompassing exon(s) 9-10 of the COL6A2 gene. While the exact position of this variant cannot be determined from the data, sub-genic copy number gains are generally in tandem (PMID: 25640679). This variant is predicted to be in-frame, and likely preserves the integrity of the reading frame.

Literature cited by the submitters: PubMed 25640679.